The following is an entry in ClinVar:

NM_018979.4(WNK1):c.7003G>A (p.Ala2335Thr)

Gene: WNK1 (WNK lysine deficient protein kinase 1; plus strand). Cytogenetic location: 12p13.33.
Variant type: single nucleotide variant.
Coding change: c.7003G>A on transcript NM_018979.4 (MANE Select); coding-DNA position 7003, G replaced by A.
Protein change: p.Ala2335Thr; replaces alanine 2335 with threonine.
Molecular consequence: missense variant.
Genome position (GRCh38, 1-based): chr12:908,646, G>A. VCF-style: chr12-908646-G-A. GRCh37 (hg19) VCF-style: chr12-1017812-G-A.
Other names: c.7783G>A, p.Ala2595Thr (NM_001184985.2); c.6259G>A, p.Ala2087Thr (NM_014823.3); c.7759G>A, p.Ala2587Thr (NM_213655.5); short protein forms A2587T, A2335T, A2087T, A2595T.
Identifiers: ClinVar variation 471210 (VCV000471210.10), dbSNP rs375901694, ClinGen allele CA6383544.
Genomic context (GRCh38, chr12:908,646, plus strand): 5'-CACTTCACCAAGTCTATGTGCCCCCCACAGCAGTATGGCTTTCCAGCTACCCCATTTGGC[G>A]CTCAATGGAGTGGGACGGGTGGCCCAGCACCACAGCCACTTGGCCAGTTCCAACCTGTGG-3'
Protein context (NP_061852.3, residues 2325-2345): QYGFPATPFG[Ala2335Thr]QWSGTGGPAP

ClinVar aggregate classification (germline): Uncertain significance. Review status: criteria provided, multiple submitters, no conflicts (2 of 4 stars). 3 submissions from 3 submitters: Uncertain significance (3). Last evaluated 2025-11-28.

Conditions:
WNK1-related disorder. Also called: WNK1-related condition.
Neuropathy, hereditary sensory and autonomic, type 2A (HSAN2A). Also called: HSAN IIA; ACROOSTEOLYSIS, GIACCAI TYPE; ACROOSTEOLYSIS, NEUROGENIC; MORVAN DISEASE; NEUROPATHY, CONGENITAL SENSORY; NEUROPATHY, HEREDITARY SENSORY RADICULAR, AUTOSOMAL RECESSIVE. Identifiers: Orphanet 970, MedGen C2752089, MONDO:0024309, OMIM 201300.
Pseudohypoaldosteronism type 2C (PHA2C). Also called: Pseudohypoaldosteronism Type IIC. Identifiers: Orphanet 757, Orphanet 88940, MedGen C1840391, MONDO:0013778, OMIM 614492.

Allele frequency attached by ClinVar (database versions not stated): gnomAD exomes 0.00001; ExAC 0.00002; gnomAD 0.00002 and 0.00003; TOPMed 0.00003; ESP Exome Variant Server 0.00008.
gnomAD v4.1: 22 of 1,614,046 alleles (0.0014%); highest among the groups gnomAD compares: Admixed American, 0.0033%; no homozygotes.

Submissions (3):

PreventionGenetics, part of Exact Sciences
Classification: Uncertain significance for WNK1-related condition. Last evaluated: 2025-11-28. Review status: criteria provided, single submitter. Criteria: ACMG Guidelines, 2015. Collection method: clinical testing. Allele origin: germline.
Comment: The WNK1 c.7003G>A variant is predicted to result in the amino acid substitution p.Ala2335Thr. To our knowledge, this variant has not been reported in the literature. This variant is reported in 0.0080% of alleles in individuals of African descent in gnomAD. At this time, the clinical significance of this variant is uncertain due to the absence of conclusive functional and genetic evidence.

Labcorp Genetics (formerly Invitae), Labcorp
Classification: Uncertain significance for Neuropathy, hereditary sensory and autonomic, type 2A; Pseudohypoaldosteronism type 2C. Last evaluated: 2025-03-19. Review status: criteria provided, single submitter. Criteria: Invitae Variant Classification Sherloc (09022015). Collection method: clinical testing. Allele origin: germline.
Comment: This sequence change replaces alanine, which is neutral and non-polar, with threonine, which is neutral and polar, at codon 2587 of the WNK1 protein (p.Ala2587Thr). This variant is present in population databases (rs375901694, gnomAD 0.008%). This variant has not been reported in the literature in individuals affected with WNK1-related conditions. ClinVar contains an entry for this variant (Variation ID: 471210). Invitae Evidence Modeling of protein sequence and biophysical properties (such as structural, functional, and spatial information, amino acid conservation, physicochemical variation, residue mobility, and thermodynamic stability) indicates that this missense variant is not expected to disrupt WNK1 protein function with a negative predictive value of 95%. In summary, the available evidence is currently insufficient to determine the role of this variant in disease. Therefore, it has been classified as a Variant of Uncertain Significance.

Fulgent Genetics
Classification: Uncertain significance for Neuropathy, hereditary sensory and autonomic, type 2A; Pseudohypoaldosteronism type 2C. Last evaluated: 2022-03-08. Review status: criteria provided, single submitter. Criteria: ACMG Guidelines, 2015. Collection method: clinical testing. Allele origin: unknown.